The following is an entry in ClinVar:

ClinVar aggregate classification (germline): Uncertain significance. Review status: criteria provided, multiple submitters, no conflicts (2 of 4 stars). 2 submissions from 2 submitters: Uncertain significance (2). Last evaluated 2025-11-02.

Conditions:
Inborn genetic diseases. Identifiers: MedGen C0950123, MeSH D030342.

Allele frequency attached by ClinVar (database versions not stated): TOPMed 0.00018; gnomAD exomes 0.00004; ExAC 0.00006.
gnomAD v4.1: 87 of 1,613,950 alleles (0.0054%); highest among the groups gnomAD compares: Admixed American, 0.14%; 1 homozygote.

Submissions (2):

Ambry Genetics
Classification: Uncertain significance for Inborn genetic diseases. Last evaluated: 2025-11-02. Review status: criteria provided, single submitter. Criteria: Ambry Variant Classification Scheme 2023. Collection method: clinical testing. Allele origin: germline.

Labcorp Genetics (formerly Invitae), Labcorp
Classification: Uncertain significance. Last evaluated: 2022-10-07. Review status: criteria provided, single submitter. Criteria: Invitae Variant Classification Sherloc (09022015). Collection method: clinical testing. Allele origin: germline.
Comment: This sequence change replaces histidine, which is basic and polar, with tyrosine, which is neutral and polar, at codon 904 of the FREM2 protein (p.His904Tyr). This variant is present in population databases (rs749932417, gnomAD 0.1%). This variant has not been reported in the literature in individuals affected with FREM2-related conditions. Advanced modeling of protein sequence and biophysical properties (such as structural, functional, and spatial information, amino acid conservation, physicochemical variation, residue mobility, and thermodynamic stability) performed at Invitae indicates that this missense variant is expected to disrupt FREM2 protein function. In summary, the available evidence is currently insufficient to determine the role of this variant in disease. Therefore, it has been classified as a Variant of Uncertain Significance.

NM_207361.6(FREM2):c.2710C>T (p.His904Tyr)

Gene: FREM2 (FRAS1 related extracellular matrix 2; plus strand). Cytogenetic location: 13q13.3.
Variant type: single nucleotide variant.
Coding change: c.2710C>T on transcript NM_207361.6 (MANE Select); coding-DNA position 2710, C replaced by T.
Protein change: p.His904Tyr; replaces histidine 904 with tyrosine.
Molecular consequence: missense variant.
Genome position (GRCh38, 1-based): chr13:38,690,054, C>T. VCF-style: chr13-38690054-C-T. GRCh37 (hg19) VCF-style: chr13-39264191-C-T.
Other names: c.2710C>T (NM_207361.4); short protein forms H904Y.
Identifiers: ClinVar variation 2414296 (VCV002414296.4), dbSNP rs749932417, ClinGen allele CA6954659.
Genomic context (GRCh38, chr13:38,690,054, plus strand): 5'-CTGCATGTAGGGGGTCTCTTCCACTTGGAGGACATAAAACAGGGCCGAGTTTCCTATGCC[C>T]ATAATGGGGACAAGTCCCTGACTGATAGCTGCTCCTTGGAAGTCAGTGACAGACATCATG-3'
Protein context (NP_997244.4, residues 894-914): DIKQGRVSYA[His904Tyr]NGDKSLTDSC